The following is an entry in ClinVar:

ClinVar aggregate classification (germline): Uncertain significance (1 of 4 stars; one submission).

Conditions:
Hypertrophic cardiomyopathy 19. Also called: Familial hypertrophic cardiomyopathy 19. Identifiers: MedGen CN077603, MONDO:0013476.

Allele frequency attached by ClinVar (database versions not stated): gnomAD exomes below 0.00001 and 0.00001; TOPMed below 0.00001; ExAC 0.00001; gnomAD 0.00001.

Submission:

Labcorp Genetics (formerly Invitae), Labcorp
Classification: Uncertain significance for Hypertrophic cardiomyopathy 19. Last evaluated: 2023-08-17. Review status: criteria provided, single submitter. Criteria: Invitae Variant Classification Sherloc (09022015). Collection method: clinical testing. Allele origin: germline.
Comment: This variant is present in population databases (rs763294530, gnomAD 0.0009%). This sequence change affects an acceptor splice site in intron 2 of the CALR3 gene. It is expected to disrupt RNA splicing. Variants that disrupt the donor or acceptor splice site typically lead to a loss of protein function (PMID: 16199547), however the current clinical and genetic evidence is not sufficient to establish whether loss-of-function variants in CALR3 cause disease. This variant has not been reported in the literature in individuals affected with CALR3-related conditions. ClinVar contains an entry for this variant (Variation ID: 649092). Algorithms developed to predict the effect of sequence changes on RNA splicing suggest that this variant may disrupt the consensus splice site. In summary, the available evidence is currently insufficient to determine the role of this variant in disease. Therefore, it has been classified as a Variant of Uncertain Significance.

Literature cited by the submitters: PubMed 16199547.

NM_145046.5(CALR3):c.194-2A>G

Gene: CALR3 (calreticulin 3; minus strand). Cytogenetic location: 19p13.11.
Variant type: single nucleotide variant.
Coding change: c.194-2A>G on transcript NM_145046.5 (MANE Select); the canonical splice acceptor site of the intron before coding-DNA position 194, A replaced by G.
Molecular consequence: splice acceptor variant.
Genome position (GRCh38, 1-based): chr19:16,490,572, T>C on the plus strand (A>G on the coding strand, the complement: CALR3 is on the minus strand). VCF-style: chr19-16490572-T-C. GRCh37 (hg19) VCF-style: chr19-16601383-T-C.
Identifiers: ClinVar variation 649092 (VCV000649092.7), dbSNP rs763294530, ClinGen allele CA9278472.